The following is an entry in ClinVar:

NM_000038.6(APC):c.4405C>G (p.Gln1469Glu)

Gene: APC (APC regulator of Wnt signaling pathway; plus strand). Cytogenetic location: 5q22.2.
Variant type: single nucleotide variant.
Coding change: c.4405C>G on transcript NM_000038.6 (MANE Select); coding-DNA position 4405, C replaced by G.
Protein change: p.Gln1469Glu; replaces glutamine 1469 with glutamic acid.
Molecular consequence: missense variant.
Genome position (GRCh38, 1-based): chr5:112,839,999, C>G. VCF-style: chr5-112839999-C-G. GRCh37 (hg19) VCF-style: chr5-112175696-C-G.
Other names: c.4405C>G, p.Gln1469Glu (NM_001127510.3, NM_001354895.2); c.4351C>G, p.Gln1451Glu (NM_001127511.3); c.4459C>G, p.Gln1487Glu (NM_001354896.2); c.4435C>G, p.Gln1479Glu (NM_001354897.2); c.4330C>G, p.Gln1444Glu (NM_001354898.2); c.4321C>G, p.Gln1441Glu (NM_001354899.2); c.4282C>G, p.Gln1428Glu (NM_001354900.2); c.4228C>G, p.Gln1410Glu (NM_001354901.2); and 5 more; short protein forms Q1451E, Q1469E, Q1309E, Q1343E, Q1441E, Q1479E, Q1487E, Q1186E.
Identifiers: ClinVar variation 411400 (VCV000411400.15), dbSNP rs1060503288, ClinGen allele CA16030977.

ClinVar aggregate classification (germline): Uncertain significance. Review status: criteria provided, multiple submitters, no conflicts (2 of 4 stars). 3 submissions from 3 submitters: Uncertain significance (3). Last evaluated 2025-12-02.

Conditions:
Familial adenomatous polyposis 1 (FAP1). Also called: FAMILIAL ADENOMATOUS POLYPOSIS 1, ATTENUATED; POLYPOSIS, ADENOMATOUS INTESTINAL. Identifiers: MedGen C2713442, MONDO:0021056, OMIM 175100. Disease mechanism: loss of function.
Hereditary cancer-predisposing syndrome. Also called: Tumor predisposition; Hereditary Cancer Syndrome; Hereditary neoplastic syndrome; Neoplastic Syndromes, Hereditary. Identifiers: Orphanet 140162, MedGen C0027672, MeSH D009386, MONDO:0015356.

Allele frequency attached by ClinVar (database versions not stated): gnomAD 0.00001; TOPMed 0.00001.
gnomAD v4.1: 1 of 1,613,990 alleles (0.000062%); highest among the groups gnomAD compares: African/African-American, 0.0013%; no homozygotes.

Submissions (3):

Labcorp Genetics (formerly Invitae), Labcorp
Classification: Uncertain significance for Familial adenomatous polyposis 1. Last evaluated: 2025-12-02. Review status: criteria provided, single submitter. Criteria: Invitae Variant Classification Sherloc (09022015). Collection method: clinical testing. Allele origin: germline.
Comment: This sequence change replaces glutamine, which is neutral and polar, with glutamic acid, which is acidic and polar, at codon 1469 of the APC protein (p.Gln1469Glu). This variant is not present in population databases (gnomAD no frequency). This variant has not been reported in the literature in individuals affected with APC-related conditions. ClinVar contains an entry for this variant (Variation ID: 411400). Invitae Evidence Modeling of protein sequence and biophysical properties (such as structural, functional, and spatial information, amino acid conservation, physicochemical variation, residue mobility, and thermodynamic stability) indicates that this missense variant is not expected to disrupt APC protein function with a negative predictive value of 95%. In summary, the available evidence is currently insufficient to determine the role of this variant in disease. Therefore, it has been classified as a Variant of Uncertain Significance.

Ambry Genetics
Classification: Uncertain significance for Hereditary cancer-predisposing syndrome. Last evaluated: 2023-11-14. Review status: criteria provided, single submitter. Criteria: Ambry Variant Classification Scheme 2023. Collection method: clinical testing. Allele origin: germline.
Comment: The p.Q1469E variant (also known as c.4405C>G), located in coding exon 15 of the APC gene, results from a C to G substitution at nucleotide position 4405. The glutamine at codon 1469 is replaced by glutamic acid, an amino acid with highly similar properties. This amino acid position is well conserved in available vertebrate species. In addition, in silico predictors for this gene do not accurately predict pathogenicity. Since supporting evidence is limited at this time, the clinical significance of this alteration remains unclear.

Color Diagnostics, LLC DBA Color Health
Classification: Uncertain significance for Hereditary cancer-predisposing syndrome. Last evaluated: 2019-06-18. Review status: criteria provided, single submitter. Criteria: ACMG Guidelines, 2015. Collection method: clinical testing. Allele origin: germline.